The following is an entry in ClinVar:

ClinVar aggregate classification (germline): Uncertain significance (1 of 4 stars; one submission).

Conditions:
Familial cold autoinflammatory syndrome 2 (FCAS2). Identifiers: Orphanet 247868, MedGen C2673198, MONDO:0012724, OMIM 611762.

Allele frequency attached by ClinVar (database versions not stated): TOPMed below 0.00001; ExAC 0.00001.
gnomAD v4.1: 2 of 1,614,072 alleles (0.00012%); highest among the groups gnomAD compares: Non-Finnish European, 0.00017%; no homozygotes.

Submission:

Labcorp Genetics (formerly Invitae), Labcorp
Classification: Uncertain significance for Familial cold autoinflammatory syndrome 2. Last evaluated: 2022-01-14. Review status: criteria provided, single submitter. Criteria: Invitae Variant Classification Sherloc (09022015). Collection method: clinical testing. Allele origin: germline.
Comment: In summary, the available evidence is currently insufficient to determine the role of this variant in disease. Therefore, it has been classified as a Variant of Uncertain Significance. Algorithms developed to predict the effect of missense changes on protein structure and function are either unavailable or do not agree on the potential impact of this missense change (SIFT: "Tolerated"; PolyPhen-2: "Possibly Damaging"; Align-GVGD: "Class C0"). ClinVar contains an entry for this variant (Variation ID: 848398). This variant has not been reported in the literature in individuals affected with NLRP12-related conditions. This variant is present in population databases (rs768192429, gnomAD 0.0009%). This sequence change replaces glutamic acid, which is acidic and polar, with aspartic acid, which is acidic and polar, at codon 792 of the NLRP12 protein (p.Glu792Asp).

NM_144687.4(NLRP12):c.2376G>T (p.Glu792Asp)

Gene: NLRP12 (NLR family pyrin domain containing 12; minus strand). Cytogenetic location: 19q13.42.
Variant type: single nucleotide variant.
Coding change: c.2376G>T on transcript NM_144687.4 (MANE Select); coding-DNA position 2376, G replaced by T.
Protein change: p.Glu792Asp; replaces glutamic acid 792 with aspartic acid.
Molecular consequence: missense variant.
Genome position (GRCh38, 1-based): chr19:53,805,318, C>A on the plus strand (G>T on the coding strand, the complement: NLRP12 is on the minus strand). VCF-style: chr19-53805318-C-A. GRCh37 (hg19) VCF-style: chr19-54308572-C-A.
Other names: c.2379G>T, p.Glu793Asp (NM_001277126.2); c.2376G>T, p.Glu792Asp (NM_001277129.1); short protein forms E792D, E793D.
Identifiers: ClinVar variation 848398 (VCV000848398.9), dbSNP rs768192429, ClinGen allele CA9639105.
Genomic context (GRCh38, chr19:53,805,318, plus strand): 5'-GCTCCCGGGGATAGAGACTCACTGAATCATCTGCAGCCTGCACTGGGGATGCCGCAGGCC[C>A]TCGCAAAGCAGCATCATGCCTGGGAATCCAACGCCGTTGCCACTGAGATCCATCCTTGTC-3'
Protein context (NP_653288.1, residues 782-802): VGFPGMMLLC[Glu792Asp]GLRHPQCRLQ